The following is an entry in ClinVar:

ClinVar aggregate classification (germline): Uncertain significance (1 of 4 stars; one submission).

Allele frequency attached by ClinVar (database versions not stated): gnomAD exomes below 0.00001; TOPMed below 0.00001; gnomAD 0.00001.
gnomAD v4.1: 4 of 1,611,142 alleles (0.00025%); highest among the groups gnomAD compares: Non-Finnish European, 0.00034%; no homozygotes.

Submission:

Women's Health and Genetics/Laboratory Corporation of America, LabCorp
Classification: Uncertain significance. Last evaluated: 2024-04-15. Review status: criteria provided, single submitter. Criteria: LabCorp Variant Classification Summary - May 2015. Collection method: clinical testing. Allele origin: germline.
Comment: Variant summary: SRRM2 c.6143T>G (p.Leu2048Arg) results in a non-conservative amino acid change in the encoded protein sequence. Three of five in-silico tools predict a damaging effect of the variant on protein function. The variant was absent in 251302 control chromosomes (gnomAD). The available data on variant occurrences in the general population are insufficient to allow any conclusion about variant significance. To our knowledge, no occurrence of c.6143T>G in individuals affected with Intellectual Developmental Disorder, Autosomal Dominant 72 and no experimental evidence demonstrating its impact on protein function have been reported. No submitters have cited clinical-significance assessments for this variant to ClinVar. Based on the evidence outlined above, the variant was classified as uncertain significance.

NM_016333.4(SRRM2):c.6143T>G (p.Leu2048Arg)

Gene: SRRM2 (serine/arginine repetitive matrix 2; plus strand). Cytogenetic location: 16p13.3.
Variant type: single nucleotide variant.
Coding change: c.6143T>G on transcript NM_016333.4 (MANE Select); coding-DNA position 6143, T replaced by G.
Protein change: p.Leu2048Arg; replaces leucine 2048 with arginine.
Molecular consequence: missense variant.
Genome position (GRCh38, 1-based): chr16:2,766,671, T>G. VCF-style: chr16-2766671-T-G. GRCh37 (hg19) VCF-style: chr16-2816672-T-G.
Other names: short protein forms L2048R.
Identifiers: ClinVar variation 3251273 (VCV003251273.1), dbSNP rs200748735.